The following is an entry in ClinVar:

NM_015338.6(ASXL1):c.3746T>C (p.Met1249Thr)

Gene: ASXL1 (ASXL transcriptional regulator 1; plus strand). Cytogenetic location: 20q11.21.
Variant type: single nucleotide variant.
Coding change: c.3746T>C on transcript NM_015338.6 (MANE Select); coding-DNA position 3746, T replaced by C.
Protein change: p.Met1249Thr; replaces methionine 1249 with threonine.
Molecular consequence: missense variant.
Genome position (GRCh38, 1-based): chr20:32,436,458, T>C. VCF-style: chr20-32436458-T-C. GRCh37 (hg19) VCF-style: chr20-31024261-T-C.
Other names: c.3563T>C, p.Met1188Thr (NM_001363734.1); short protein forms M1188T, M1249T.
Identifiers: ClinVar variation 4158370 (VCV004158370.3).
Genomic context (GRCh38, chr20:32,436,458, plus strand): 5'-TGGATTCCAAAGAGCAGTTCTCTTCCTTTAGTTGTGAAGATCAGAAGGAAGTCCGTGCTA[T>C]GTCACAGGACAGTAATTCAAATGCTGCTCCAGGAAAGAGCCCAGGAGATCTTACTACCTC-3'
Protein context (NP_056153.2, residues 1239-1259): SCEDQKEVRA[Met1249Thr]SQDSNSNAAP

ClinVar aggregate classification (germline): Conflicting classifications of pathogenicity. Review status: criteria provided, conflicting classifications (1 of 4 stars). 3 submissions from 3 submitters: Uncertain significance (1); Likely benign (2). Last evaluated 2026-05-05.

Conditions:
Bohring-Opitz syndrome. Also called: C-LIKE SYNDROME; BOHRING SYNDROME; OPITZ TRIGONOCEPHALY-LIKE SYNDROME; ASXL1-Related Bohring-Opitz Syndrome. Identifiers: Orphanet 97297, MedGen C0796232, MONDO:0011510, OMIM 605039.
Inborn genetic diseases. Identifiers: MedGen C0950123, MeSH D030342.

Submissions (3):

Centre for Medical Genetics,  Mumbai
Classification: Likely benign for Bohring-Opitz syndrome. Last evaluated: 2026-05-05. Review status: criteria provided, single submitter. Criteria: ACMG Guidelines, 2015. Collection method: provider interpretation. Allele origin: germline. Inheritance: Autosomal dominant inheritance. Affected: no. Observed: 1 variant allele, 1 heterozygote.
Comment: The variant satisfies PM2 criteria - extremely low frequency in gnomAD population databases. The variant satisfies BP4 criteria - for a missense or a splice region variant, computational prediction tools unanimously support a benign effect on the gene. The variant satisfies BP6 criteria - reputable source recently reports variant as benign, but the evidence is not available to the laboratory to perform an independent evaluation. However, the variant satisfies BS2 criteria - present in heterozygous state in an individual that clinically does not have Bohring-Opitz syndrome.

Labcorp Genetics (formerly Invitae), Labcorp
Classification: Uncertain significance. Last evaluated: 2025-08-30. Review status: criteria provided, single submitter. Criteria: Invitae Variant Classification Sherloc (09022015). Collection method: clinical testing. Allele origin: germline.
Comment: This sequence change replaces methionine, which is neutral and non-polar, with threonine, which is neutral and polar, at codon 1249 of the ASXL1 protein (p.Met1249Thr). This variant is present in population databases (rs776760001, gnomAD 0.02%). This variant has not been reported in the literature in individuals affected with ASXL1-related conditions. An algorithm developed to predict the effect of missense changes on protein structure and function (PolyPhen-2) suggests that this variant is likely to be tolerated. In summary, the available evidence is currently insufficient to determine the role of this variant in disease. Therefore, it has been classified as a Variant of Uncertain Significance.

Ambry Genetics
Classification: Likely benign for Inborn genetic diseases. Last evaluated: 2025-07-20. Review status: criteria provided, single submitter. Criteria: Ambry Variant Classification Scheme 2023. Collection method: clinical testing. Allele origin: germline.

Literature cited by the submitters: PubMed 21706002 (cited by Centre for Medical Genetics,  Mumbai).